The following is an entry in ClinVar:

NM_014140.4(SMARCAL1):c.2261G>A (p.Arg754His)

Gene: SMARCAL1 (SNF2 related chromatin remodeling annealing helicase 1; plus strand). Cytogenetic location: 2q35.
Variant type: single nucleotide variant.
Coding change: c.2261G>A on transcript NM_014140.4 (MANE Select); coding-DNA position 2261, G replaced by A.
Protein change: p.Arg754His; replaces arginine 754 with histidine.
Molecular consequence: missense variant.
Genome position (GRCh38, 1-based): chr2:216,475,285, G>A. VCF-style: chr2-216475285-G-A. GRCh37 (hg19) VCF-style: chr2-217340008-G-A.
Other names: c.2261G>A, p.Arg754His (NM_001127207.2); short protein forms R754H.
Identifiers: ClinVar variation 2185317 (VCV002185317.4), dbSNP rs753533155, ClinGen allele CA2098169.

ClinVar aggregate classification (germline): Uncertain significance. Review status: criteria provided, multiple submitters, no conflicts (2 of 4 stars). 2 submissions from 2 submitters: Uncertain significance (2). Last evaluated 2025-02-27.

Conditions:
Schimke immuno-osseous dysplasia (SIOD). Also called: Schimke Immunoosseous Dysplasia. Identifiers: Orphanet 1830, MedGen C0877024, MONDO:0009458, OMIM 242900.

Allele frequency attached by ClinVar (database versions not stated): ExAC 0.00001; gnomAD 0.00001.
gnomAD v4.1: 16 of 1,614,036 alleles (0.00099%); highest among the groups gnomAD compares: Admixed American, 0.0033%; no homozygotes.

Submissions (2):

Labcorp Genetics (formerly Invitae), Labcorp
Classification: Uncertain significance for Schimke immuno-osseous dysplasia. Last evaluated: 2025-02-27. Review status: criteria provided, single submitter. Criteria: Invitae Variant Classification Sherloc (09022015). Collection method: clinical testing. Allele origin: germline.
Comment: This sequence change replaces arginine, which is basic and polar, with histidine, which is basic and polar, at codon 754 of the SMARCAL1 protein (p.Arg754His). This variant is present in population databases (rs753533155, gnomAD 0.006%). This variant has not been reported in the literature in individuals affected with SMARCAL1-related conditions. ClinVar contains an entry for this variant (Variation ID: 2185317). Invitae Evidence Modeling of protein sequence and biophysical properties (such as structural, functional, and spatial information, amino acid conservation, physicochemical variation, residue mobility, and thermodynamic stability) indicates that this missense variant is expected to disrupt SMARCAL1 protein function with a positive predictive value of 80%. In summary, the available evidence is currently insufficient to determine the role of this variant in disease. Therefore, it has been classified as a Variant of Uncertain Significance.

Fulgent Genetics
Classification: Uncertain significance for Schimke immuno-osseous dysplasia. Last evaluated: 2024-03-01. Review status: criteria provided, single submitter. Criteria: ACMG Guidelines, 2015. Collection method: clinical testing. Allele origin: germline.